The following is an entry in ClinVar:

NM_013339.4(ALG6):c.553T>C (p.Cys185Arg)

Gene: ALG6 (ALG6 alpha-1,3-glucosyltransferase; plus strand). Cytogenetic location: 1p31.3.
Variant type: single nucleotide variant.
Coding change: c.553T>C on transcript NM_013339.4 (MANE Select); coding-DNA position 553, T replaced by C.
Protein change: p.Cys185Arg; replaces cysteine 185 with arginine.
Molecular consequence: missense variant.
Genome position (GRCh38, 1-based): chr1:63,411,204, T>C. VCF-style: chr1-63411204-T-C. GRCh37 (hg19) VCF-style: chr1-63876875-T-C.
Other names: short protein forms C185R.
Identifiers: ClinVar variation 2181233 (VCV002181233.1), dbSNP rs541553019, ClinGen allele CA888201.

ClinVar aggregate classification (germline): Uncertain significance (1 of 4 stars; one submission).

Conditions:
ALG6-congenital disorder of glycosylation 1C (CDG1C). Also called: CDG Ic; CARBOHYDRATE-DEFICIENT GLYCOPROTEIN SYNDROME, TYPE I, WITH DEFICIENT GLYCOSYLATION OF DOLICHOL-LINKED OLIGOSACCHARIDE; CARBOHYDRATE-DEFICIENT GLYCOPROTEIN SYNDROME, TYPE V; Congenital disorder of glycosylation type 1C; Congenital disorder of glycosylation, type Ic. Identifiers: Orphanet 79320, MedGen C2930997, MONDO:0011291, OMIM 603147.

Allele frequency attached by ClinVar (database versions not stated): gnomAD 0.00001; gnomAD exomes 0.00001; ExAC 0.00002; TOPMed 0.00002; 1000 Genomes Project 0.00020; 1000 Genomes Project 30x 0.00031.
gnomAD v4.1: 10 of 1,613,778 alleles (0.00062%); highest among the groups gnomAD compares: African/African-American, 0.004%; no homozygotes.

Submission:

Labcorp Genetics (formerly Invitae), Labcorp
Classification: Uncertain significance for ALG6-congenital disorder of glycosylation 1C. Last evaluated: 2022-06-08. Review status: criteria provided, single submitter. Criteria: Invitae Variant Classification Sherloc (09022015). Collection method: clinical testing. Allele origin: germline.
Comment: This sequence change replaces cysteine, which is neutral and slightly polar, with arginine, which is basic and polar, at codon 185 of the ALG6 protein (p.Cys185Arg). This variant is present in population databases (rs541553019, gnomAD 0.007%). This variant has not been reported in the literature in individuals affected with ALG6-related conditions. Algorithms developed to predict the effect of missense changes on protein structure and function (SIFT, PolyPhen-2, Align-GVGD) all suggest that this variant is likely to be tolerated. In summary, the available evidence is currently insufficient to determine the role of this variant in disease. Therefore, it has been classified as a Variant of Uncertain Significance.